The following is an entry in ClinVar:

ClinVar aggregate classification (germline): Uncertain significance (1 of 4 stars; one submission).

Conditions:
PRKACA-related disorder. Also called: PRKACA-related condition.

Submission:

PreventionGenetics, part of Exact Sciences
Classification: Uncertain significance for PRKACA-related condition. Last evaluated: 2026-09-08. Review status: criteria provided, single submitter. Criteria: ACMG Guidelines, 2015. Collection method: clinical testing. Allele origin: germline.
Comment: The PRKACA c.1024G>A variant is predicted to result in the amino acid substitution p.Glu342Lys. To our knowledge, this variant has not been reported in the literature or in a large population database (gnomAD), indicating this variant is rare. At this time, the clinical significance of this variant is uncertain due to the absence of conclusive functional and genetic evidence.

NM_002730.4(PRKACA):c.1024G>A (p.Glu342Lys)

Gene: PRKACA (protein kinase cAMP-activated catalytic subunit alpha; minus strand). Cytogenetic location: 19p13.12.
Variant type: single nucleotide variant.
Coding change: c.1024G>A on transcript NM_002730.4 (MANE Select); coding-DNA position 1024, G replaced by A.
Protein change: p.Glu342Lys; replaces glutamic acid 342 with lysine.
Molecular consequence: missense variant.
Genome position (GRCh38, 1-based): chr19:14,093,144, C>T on the plus strand (G>A on the coding strand, the complement: PRKACA is on the minus strand). VCF-style: chr19-14093144-C-T. GRCh37 (hg19) VCF-style: chr19-14203956-C-T.
Other names: c.1252G>A, p.Glu418Lys (NM_001304349.2); c.1000G>A, p.Glu334Lys (NM_207518.3); short protein forms E342K, E334K, E418K.
Identifiers: ClinVar variation 4992136 (VCV004992136.1).